The following is an entry in ClinVar:

ClinVar aggregate classification (germline): Uncertain significance (1 of 4 stars; one submission).

Conditions:
Hereditary cancer-predisposing syndrome. Also called: Neoplastic Syndromes, Hereditary; Tumor predisposition; Hereditary Cancer Syndrome; Hereditary neoplastic syndrome. Identifiers: Orphanet 140162, MedGen C0027672, MeSH D009386, MONDO:0015356.

gnomAD v4.1: 1 of 1,614,112 alleles (0.000062%); highest among the groups gnomAD compares: Non-Finnish European, 0.000085%; no homozygotes.

Submission:

Ambry Genetics
Classification: Uncertain significance for Hereditary cancer-predisposing syndrome. Last evaluated: 2025-11-03. Review status: criteria provided, single submitter. Criteria: Ambry Variant Classification Scheme 2023. Collection method: clinical testing. Allele origin: germline.
Comment: The p.A594T variant (also known as c.1780G>A), located in coding exon 13 of the PTCH1 gene, results from a G to A substitution at nucleotide position 1780. The alanine at codon 594 is replaced by threonine, an amino acid with similar properties. This amino acid position is conserved. In addition, this alteration is predicted to be deleterious by in silico analysis. Based on the available evidence, the clinical significance of this variant remains unclear.

NM_000264.5(PTCH1):c.1780G>A (p.Ala594Thr)

Genes: PTCH1 (patched 1; minus strand), LOC100507346 (uncharacterized LOC100507346; plus strand). Cytogenetic location: 9q22.32.
Variant type: single nucleotide variant.
Coding change: c.1780G>A on transcript NM_000264.5 (MANE Select); coding-DNA position 1780, G replaced by A.
Protein change: p.Ala594Thr; replaces alanine 594 with threonine.
Molecular consequence: missense variant. On other transcripts: non-coding transcript variant (2).
Genome position (GRCh38, 1-based): chr9:95,469,880, C>T on the plus strand (G>A on the coding strand, the complement: PTCH1 is on the minus strand). VCF-style: chr9-95469880-C-T. GRCh37 (hg19) VCF-style: chr9-98232162-C-T.
Other names: c.1582G>A, p.Ala528Thr (NM_001083602.3); c.1777G>A, p.Ala593Thr (NM_001083603.3); c.1327G>A, p.Ala443Thr (NM_001083604.3, NM_001083605.3, NM_001083606.3 and 1 more transcripts); c.1624G>A, p.Ala542Thr (NM_001354918.2); short protein forms A443T, A542T, A594T, A528T, A593T.
Identifiers: ClinVar variation 4674711 (VCV004674711.1).
Genomic context (GRCh38, chr9:95,469,880, plus strand): 5'-AACAGCAGAAAATATCCAGTCTCCTGTCCTCGCGTCGATATAAATCCATGCTGAGAATTG[C>T]AGGAAAAATGAGCAGAACCATGGCAAAATTGAACACCACTACTACCGCTGCCTGGGAGCA-3'
Protein context (NP_000255.2, residues 584-604): NFAMVLLIFP[Ala594Thr]ILSMDLYRRE